The following is an entry in ClinVar:

NM_138694.4(PKHD1):c.4463_4464insA (p.Met1488fs)

Gene: PKHD1 (PKHD1 ciliary IPT domain containing fibrocystin/polyductin; minus strand). Cytogenetic location: 6p12.2.
Variant type: Insertion.
Coding change: c.4463_4464insA on transcript NM_138694.4 (MANE Select); coding-DNA positions 4463 to 4464, A inserted.
Protein change: p.Met1488fs; shifts the reading frame from methionine 1488.
Molecular consequence: frameshift variant.
Genome position: GRCh38 VCF-style: chr6-52025346-C-CT. GRCh37 (hg19) VCF-style: chr6-51890144-C-CT.
Other names: c.4463_4464insA, p.Met1488fs (NM_170724.3); short protein forms M1488fs.
Identifiers: ClinVar variation 4816666 (VCV004816666.1).
Genomic context (GRCh38, chr6:52,025,346, plus strand): 5'-CCTCTGACCCCTAATCAGCACAGTGGTCAGAGACCCACTGGTGTTTGTGGACAAGGCATC[C>CT]ATGACAGGACTTGCCTCTTCCCTTATGAAAAGAGTGCAATTCCCCTGACACTCGCTGGTT-3'

ClinVar aggregate classification (germline): Likely pathogenic (1 of 4 stars; one submission).

Conditions:
Autosomal recessive polycystic kidney disease (ARPKD). Also called: AR polycystic kidney disease. Identifiers: Orphanet 731, Orphanet 8378, MedGen C0085548, MeSH D017044, MONDO:0009889.

Submission:

Natera, Inc.
Classification: Likely pathogenic for Autosomal recessive polycystic kidney disease. Last evaluated: 2024-07-08. Review status: criteria provided, single submitter. Criteria: Natera Variant Classification Schema (03/2026). Collection method: clinical testing. Allele origin: germline.
Comment: The c.4463_4464insA variant in PKHD1 is a frameshift variant predicted to shift the reading frame beginning at codon 1488 and leads to a stop codon 18 codons downstream. This variant is expected to result in nonsense mediated decay, truncation, or a dysfunctional protein product. This variant is rare in the general population with a frequency below the threshold expected for the associated phenotype(s). Given the available evidence, this variant is classified as Likely Pathogenic.